The following is an entry in ClinVar:

ClinVar aggregate classification (germline): Conflicting classifications of pathogenicity. Review status: criteria provided, conflicting classifications (1 of 4 stars). 2 submissions from 2 submitters: Uncertain significance (1); Likely benign (1). Last evaluated 2025-05-26.

Conditions:
Inborn genetic diseases. Identifiers: MedGen C0950123, MeSH D030342.

Allele frequency attached by ClinVar (database versions not stated): TOPMed 0.00004; gnomAD 0.00005; ExAC 0.00007; ESP Exome Variant Server 0.00015.
gnomAD v4.1: 250 of 1,614,024 alleles (0.015%); highest among the groups gnomAD compares: Non-Finnish European, 0.02%; no homozygotes.

Submissions (2):

Labcorp Genetics (formerly Invitae), Labcorp
Classification: Uncertain significance. Last evaluated: 2025-05-26. Review status: criteria provided, single submitter. Criteria: Invitae Variant Classification Sherloc (09022015). Collection method: clinical testing. Allele origin: germline.
Comment: This sequence change replaces methionine, which is neutral and non-polar, with leucine, which is neutral and non-polar, at codon 3642 of the TRRAP protein (p.Met3642Leu). This variant is present in population databases (rs147715960, gnomAD 0.01%). This variant has not been reported in the literature in individuals affected with TRRAP-related conditions. ClinVar contains an entry for this variant (Variation ID: 2709206). Invitae Evidence Modeling of protein sequence and biophysical properties (such as structural, functional, and spatial information, amino acid conservation, physicochemical variation, residue mobility, and thermodynamic stability) indicates that this missense variant is not expected to disrupt TRRAP protein function with a negative predictive value of 80%. In summary, the available evidence is currently insufficient to determine the role of this variant in disease. Therefore, it has been classified as a Variant of Uncertain Significance.

Ambry Genetics
Classification: Likely benign for Inborn genetic diseases. Last evaluated: 2023-12-09. Review status: criteria provided, single submitter. Criteria: Ambry Variant Classification Scheme 2023. Collection method: clinical testing. Allele origin: germline.

NM_001375524.1(TRRAP):c.11053A>T (p.Met3685Leu)

Gene: TRRAP (transformation/transcription domain associated protein; plus strand). Cytogenetic location: 7q22.1.
Variant type: single nucleotide variant.
Coding change: c.11053A>T on transcript NM_001375524.1 (MANE Select); coding-DNA position 11053, A replaced by T.
Protein change: p.Met3685Leu; replaces methionine 3685 with leucine.
Molecular consequence: missense variant.
Genome position (GRCh38, 1-based): chr7:99,011,166, A>T. VCF-style: chr7-99011166-A-T. GRCh37 (hg19) VCF-style: chr7-98608789-A-T.
Other names: c.11011A>T, p.Met3671Leu (NM_001244580.2); c.10924A>T, p.Met3642Leu (NM_003496.4); c.11011A>T (NM_001244580.1); short protein forms M3642L, M3685L, M3671L.
Identifiers: ClinVar variation 2709206 (VCV002709206.4), dbSNP rs147715960, ClinGen allele CA4362076.
Genomic context (GRCh38, chr7:99,011,166, plus strand): 5'-CTCAAGGAGTGGGCGCTGCACACCTTCCCCAATGCCACGGACTACTGGACGTTCCGGAAG[A>T]TGTTCACCATCCAGCTGGCTCTGATAGGCTTCGCGGAATTCGTCCTGCATTTAAATAGAC-3'
Protein context (NP_001362453.1, residues 3675-3695): NATDYWTFRK[Met3685Leu]FTIQLALIGF